The following is an entry in ClinVar:

ClinVar aggregate classification (germline): Benign/Likely benign. Review status: criteria provided, multiple submitters, no conflicts (2 of 4 stars). 3 submissions from 3 submitters: Benign (1); Likely benign (1). 1 of the submissions does not count toward it. Last evaluated 2026-03-27.

Conditions:
HIVEP2-related disorder. Also called: HIVEP2-related condition.

Allele frequency attached by ClinVar (database versions not stated): gnomAD 0.00008; TOPMed 0.00008; ExAC 0.00009; gnomAD exomes 0.00007; ESP Exome Variant Server 0.00008.
gnomAD v4.1: 115 of 1,613,960 alleles (0.0071%); highest among the groups gnomAD compares: Non-Finnish European, 0.0043%; no homozygotes.

Submissions (3):

Women's Health and Genetics/Laboratory Corporation of America, LabCorp
Classification: Likely benign. Last evaluated: 2026-03-27. Review status: criteria provided, single submitter. Criteria: LabCorp Variant Classification Summary - May 2015. Collection method: clinical testing. Allele origin: germline.
Comment: Variant summary: HIVEP2 c.1752A>G (p.Ile584Met) results in a conservative amino acid change in the encoded protein sequence. Algorithms developed to predict the effect of missense changes on protein structure and function all suggest that this variant is likely to be tolerated. The variant allele was found at a frequency of 0.00012 in 249554 control chromosomes, predominantly at a frequency of 0.0021 within the Ashkenazi Jewish subpopulation in the gnomAD database. The observed variant frequency within Ashkenazi Jewish control individuals in the gnomAD database exceeds the estimated maximal expected allele frequency for disease-causing variants in HIVEP2. To our knowledge, no occurrence of c.1752A>G in individuals affected with HIVEP2-related conditions and no experimental evidence demonstrating its impact on protein function have been reported. ClinVar contains an entry for this variant (Variation ID: 2172149). Based on the evidence outlined above, the variant was classified as likely benign.

Labcorp Genetics (formerly Invitae), Labcorp
Classification: Benign. Last evaluated: 2026-01-06. Review status: criteria provided, single submitter. Criteria: Invitae Variant Classification Sherloc (09022015). Collection method: clinical testing. Allele origin: germline.

PreventionGenetics, part of Exact Sciences
Classification: Likely benign for HIVEP2-related condition. Last evaluated: 2019-08-02. Review status: no assertion criteria provided. Collection method: clinical testing. Allele origin: germline. Not counted in ClinVar's aggregate classification.
Comment: This variant is classified as likely benign based on ACMG/AMP sequence variant interpretation guidelines (Richards et al. 2015 PMID: 25741868, with internal and published modifications).

NM_006734.4(HIVEP2):c.1752A>G (p.Ile584Met)

Gene: HIVEP2 (HIVEP zinc finger 2; minus strand). Cytogenetic location: 6q24.2.
Variant type: single nucleotide variant.
Coding change: c.1752A>G on transcript NM_006734.4 (MANE Select); coding-DNA position 1752, A replaced by G.
Protein change: p.Ile584Met; replaces isoleucine 584 with methionine.
Molecular consequence: missense variant.
Genome position (GRCh38, 1-based): chr6:142,772,987, T>C on the plus strand (A>G on the coding strand, the complement: HIVEP2 is on the minus strand). VCF-style: chr6-142772987-T-C. GRCh37 (hg19) VCF-style: chr6-143094124-T-C.
Other names: c.1752A>G (NM_006734.3); short protein forms I584M.
Identifiers: ClinVar variation 2172149 (VCV002172149.7), dbSNP rs200882322, ClinGen allele CA4028544.